The following is an entry in ClinVar:

NM_001042750.2(STAG2):c.2380A>G (p.Ile794Val)

Gene: STAG2 (STAG2 cohesin complex component; plus strand). Cytogenetic location: Xq25.
Variant type: single nucleotide variant.
Coding change: c.2380A>G on transcript NM_001042750.2 (MANE Select); coding-DNA position 2380, A replaced by G.
Protein change: p.Ile794Val; replaces isoleucine 794 with valine.
Molecular consequence: missense variant.
Genome position (GRCh38, 1-based): chrX:124,071,170, A>G. VCF-style: chrX-124071170-A-G. GRCh37 (hg19) VCF-style: chrX-123205020-A-G.
Other names: c.2380A>G, p.Ile794Val (NM_001042749.2, NM_001042751.2, NM_001282418.2 and 23 more transcripts); short protein forms I794V.
Identifiers: ClinVar variation 4741328 (VCV004741328.1).

ClinVar aggregate classification (germline): Uncertain significance (1 of 4 stars; one submission).

Submission:

Labcorp Genetics (formerly Invitae), Labcorp
Classification: Uncertain significance. Last evaluated: 2025-11-17. Review status: criteria provided, single submitter. Criteria: Invitae Variant Classification Sherloc (09022015). Collection method: clinical testing. Allele origin: germline.
Comment: This sequence change replaces isoleucine, which is neutral and non-polar, with valine, which is neutral and non-polar, at codon 794 of the STAG2 protein (p.Ile794Val). This variant is not present in population databases (gnomAD no frequency). This variant has not been reported in the literature in individuals affected with STAG2-related conditions. Invitae Evidence Modeling of protein sequence and biophysical properties (such as structural, functional, and spatial information, amino acid conservation, physicochemical variation, residue mobility, and thermodynamic stability) indicates that this missense variant is not expected to disrupt STAG2 protein function with a negative predictive value of 80%. In summary, the available evidence is currently insufficient to determine the role of this variant in disease. Therefore, it has been classified as a Variant of Uncertain Significance.